The following is an entry in ClinVar:

ClinVar aggregate classification (germline): Uncertain significance (1 of 4 stars; one submission).

Allele frequency attached by ClinVar (database versions not stated): gnomAD exomes below 0.00001 and 0.00003; ExAC 0.00004; TOPMed 0.00007; gnomAD 0.00010 and 0.00011; 1000 Genomes Project 30x 0.00016; 1000 Genomes Project 0.00020.
gnomAD v4.1: 16 of 1,614,252 alleles (0.00099%); highest among the groups gnomAD compares: African/African-American, 0.02%; no homozygotes.

Submission:

Labcorp Genetics (formerly Invitae), Labcorp
Classification: Uncertain significance. Last evaluated: 2025-05-12. Review status: criteria provided, single submitter. Criteria: Invitae Variant Classification Sherloc (09022015). Collection method: clinical testing. Allele origin: germline.
Comment: This sequence change replaces leucine, which is neutral and non-polar, with phenylalanine, which is neutral and non-polar, at codon 711 of the IL12RB2 protein (p.Leu711Phe). This variant is present in population databases (rs569202751, gnomAD 0.04%). This variant has not been reported in the literature in individuals affected with IL12RB2-related conditions. ClinVar contains an entry for this variant (Variation ID: 1018049). An algorithm developed to predict the effect of missense changes on protein structure and function (PolyPhen-2) suggests that this variant is likely to be tolerated. In summary, the available evidence is currently insufficient to determine the role of this variant in disease. Therefore, it has been classified as a Variant of Uncertain Significance.

NM_001374259.2(IL12RB2):c.2131C>T (p.Leu711Phe)

Gene: IL12RB2 (interleukin 12 receptor subunit beta 2; plus strand). Cytogenetic location: 1p31.3.
Variant type: single nucleotide variant.
Coding change: c.2131C>T on transcript NM_001374259.2 (MANE Select); coding-DNA position 2131, C replaced by T.
Protein change: p.Leu711Phe; replaces leucine 711 with phenylalanine.
Molecular consequence: missense variant. On other transcripts: 3 prime UTR variant (3), non-coding transcript variant (2).
Genome position (GRCh38, 1-based): chr1:67,395,631, C>T. VCF-style: chr1-67395631-C-T. GRCh37 (hg19) VCF-style: chr1-67861314-C-T.
Other names: c.*51C>T (NM_001258214.1, NM_001319233.1); c.1873C>T, p.Leu625Phe (NM_001258215.1); c.*32C>T (NM_001258216.1); c.2131C>T, p.Leu711Phe (NM_001559.3); short protein forms L625F, L711F.
Identifiers: ClinVar variation 1018049 (VCV001018049.9), dbSNP rs569202751, ClinGen allele CA900676.
Genomic context (GRCh38, chr1:67,395,631, plus strand): 5'-AGGCTCCTGATAGACTGGCCCACGCCTGAAGATCCTGAACCGCTGGTCATCAGTGAAGTC[C>T]TTCATCAAGTGACCCCAGTTTTCAGACATCCCCCCTGCTCCAACTGGCCACAAAGGGAAA-3'
Protein context (NP_001361188.1, residues 701-721): DPEPLVISEV[Leu711Phe]HQVTPVFRHP